The following is an entry in ClinVar:

ClinVar aggregate classification (germline): Uncertain significance (1 of 4 stars; one submission).

Conditions:
ABCC2-related disorder. Also called: ABCC2-related condition.

Allele frequency attached by ClinVar (database versions not stated): gnomAD exomes 0.00001; ExAC 0.00002; gnomAD 0.00015; TOPMed 0.00017; ESP Exome Variant Server 0.00023.
gnomAD v4.1: 36 of 1,614,042 alleles (0.0022%); highest among the groups gnomAD compares: African/African-American, 0.045%; no homozygotes.

Submission:

PreventionGenetics, part of Exact Sciences
Classification: Uncertain significance for ABCC2-related condition. Last evaluated: 2026-06-23. Review status: criteria provided, single submitter. Criteria: ACMG Guidelines, 2015. Collection method: clinical testing. Allele origin: germline.
Comment: The ABCC2 c.2209T>C variant is predicted to result in the amino acid substitution p.Cys737Arg. To our knowledge, this variant has not been reported in the literature. This variant is reported in 0.060% of alleles in individuals of African descent in gnomAD. At this time, the clinical significance of this variant is uncertain due to the absence of conclusive functional and genetic evidence.

NM_000392.5(ABCC2):c.2209T>C (p.Cys737Arg)

Gene: ABCC2 (ATP binding cassette subfamily C member 2; plus strand). Cytogenetic location: 10q24.2.
Variant type: single nucleotide variant.
Coding change: c.2209T>C on transcript NM_000392.5 (MANE Select); coding-DNA position 2209, T replaced by C.
Protein change: p.Cys737Arg; replaces cysteine 737 with arginine.
Molecular consequence: missense variant.
Genome position (GRCh38, 1-based): chr10:99,817,422, T>C. VCF-style: chr10-99817422-T-C. GRCh37 (hg19) VCF-style: chr10-101577179-T-C.
Other names: short protein forms C737R.
Identifiers: ClinVar variation 2631878 (VCV002631878.2), dbSNP rs146129125, ClinGen allele CA5643415.
Genomic context (GRCh38, chr10:99,817,422, plus strand): 5'-GACAACATCCTTTTTGGAACAGAGTTTAATGAAAAGAGGTACCAGCAAGTACTGGAGGCC[T>C]GTGCTCTCCTCCCAGACTTGGAAATGCTGCCTGGAGGAGATTTGGCTGAGATTGGAGAGA-3'
Protein context (NP_000383.2, residues 727-747): EKRYQQVLEA[Cys737Arg]ALLPDLEMLP